The following is an entry in ClinVar:

ClinVar aggregate classification (germline): Uncertain significance (1 of 4 stars; one submission).

Submission:

Ambry Genetics
Classification: Uncertain significance. Last evaluated: 2025-01-21. Review status: criteria provided, single submitter. Criteria: Ambry Variant Classification Scheme 2023. Collection method: clinical testing. Allele origin: germline.
Comment: The p.L313M variant (also known as c.937C>A), located in coding exon 4 of the TMPO gene, results from a C to A substitution at nucleotide position 937. The leucine at codon 313 is replaced by methionine, an amino acid with highly similar properties. This amino acid position is conserved. In addition, this alteration is predicted to be tolerated by in silico analysis. Based on the available evidence, the clinical significance of this variant remains unclear.

NM_001032283.3(TMPO):c.565+1356C>A

Gene: TMPO (thymopoietin; plus strand). Cytogenetic location: 12q23.1.
Variant type: single nucleotide variant.
Coding change: c.565+1356C>A on transcript NM_001032283.3 (MANE Select); 1356 bases into the intron after coding-DNA position 565, C replaced by A.
Molecular consequence: intron variant. On other transcripts: missense variant (1).
Genome position (GRCh38, 1-based): chr12:98,533,194, C>A. VCF-style: chr12-98533194-C-A. GRCh37 (hg19) VCF-style: chr12-98926972-C-A.
Other names: c.937C>A, p.Leu313Met (NM_003276.2); c.565+1356C>A (NM_001307975.2, NM_001032284.3); short protein forms L313M.
Identifiers: ClinVar variation 3808575 (VCV003808575.1).